The following is an entry in ClinVar:

ClinVar aggregate classification (germline): Uncertain significance (1 of 4 stars; one submission).

Conditions:
Inborn genetic diseases. Identifiers: MedGen C0950123, MeSH D030342.

Submission:

Ambry Genetics
Classification: Uncertain significance for Inborn genetic diseases. Last evaluated: 2026-09-08. Review status: criteria provided, single submitter. Criteria: Ambry Variant Classification Scheme 2023. Collection method: clinical testing. Allele origin: germline.
Comment: The c.863T>C (p.M288T) alteration is located in exon 8 (coding exon 7) of the GABRA3 gene. This alteration results from a T to C substitution at nucleotide position 863, causing the methionine (M) at amino acid position 288 to be replaced by a threonine (T). This variant was not reported in population-based cohorts in the Genome Aggregation Database (gnomAD). This amino acid position is highly conserved in available vertebrate species. This missense alteration is located in a region that has a low rate of benign missense variation (Lek, 2016; Firth, 2009). This alteration is predicted to be deleterious by in silico analysis. Based on insufficient or conflicting evidence, the clinical significance of this alteration remains unclear.

NM_000808.4(GABRA3):c.863T>C (p.Met288Thr)

Gene: GABRA3 (gamma-aminobutyric acid type A receptor subunit alpha3; minus strand). Cytogenetic location: Xq28.
Variant type: single nucleotide variant.
Coding change: c.863T>C on transcript NM_000808.4 (MANE Select); coding-DNA position 863, T replaced by C.
Protein change: p.Met288Thr; replaces methionine 288 with threonine.
Molecular consequence: missense variant.
Genome position (GRCh38, 1-based): chrX:152,197,701, A>G on the plus strand (T>C on the coding strand, the complement: GABRA3 is on the minus strand). VCF-style: chrX-152197701-A-G. GRCh37 (hg19) VCF-style: chrX-151366173-A-G.
Other names: short protein forms M288T.
Identifiers: ClinVar variation 2278062 (VCV002278062.3), dbSNP rs2521596509, ClinGen allele CA415279560.